The following is an entry in ClinVar:

NM_006642.5(SDCCAG8):c.124A>G (p.Thr42Ala)

Gene: SDCCAG8 (SHH signaling and ciliogenesis regulator SDCCAG8; plus strand). Cytogenetic location: 1q43.
Variant type: single nucleotide variant.
Coding change: c.124A>G on transcript NM_006642.5 (MANE Select); coding-DNA position 124, A replaced by G.
Protein change: p.Thr42Ala; replaces threonine 42 with alanine.
Molecular consequence: missense variant. On other transcripts: 5 prime UTR variant (4).
Genome position (GRCh38, 1-based): chr1:243,270,161, A>G. VCF-style: chr1-243270161-A-G. GRCh37 (hg19) VCF-style: chr1-243433463-A-G.
Other names: c.-989A>G (NM_001350246.2); c.-877A>G (NM_001350247.2); c.124A>G, p.Thr42Ala (NM_001350248.2); c.-171A>G (NM_001350249.2); c.-1250A>G (NM_001350251.2); short protein forms T42A.
Identifiers: ClinVar variation 2108925 (VCV002108925.4), dbSNP rs2547828184, ClinGen allele CA345473922.

ClinVar aggregate classification (germline): Uncertain significance (1 of 4 stars; one submission).

Conditions:
Senior-Loken syndrome 7 (SLSN7). Identifiers: Orphanet 3156, MedGen C3150877, MONDO:0013326, OMIM 613615.
Bardet-Biedl syndrome 16 (BBS16). Identifiers: Orphanet 110, MedGen C3889474, MONDO:0014444, OMIM 615993.

Submission:

Labcorp Genetics (formerly Invitae), Labcorp
Classification: Uncertain significance for Bardet-Biedl syndrome 16; Senior-Loken syndrome 7. Last evaluated: 2022-03-28. Review status: criteria provided, single submitter. Criteria: Invitae Variant Classification Sherloc (09022015). Collection method: clinical testing. Allele origin: germline.
Comment: In summary, the available evidence is currently insufficient to determine the role of this variant in disease. Therefore, it has been classified as a Variant of Uncertain Significance. Algorithms developed to predict the effect of missense changes on protein structure and function output the following: SIFT: "Tolerated"; PolyPhen-2: "Benign"; Align-GVGD: "Class C0". The alanine amino acid residue is found in multiple mammalian species, which suggests that this missense change does not adversely affect protein function. This variant has not been reported in the literature in individuals affected with SDCCAG8-related conditions. This variant is not present in population databases (gnomAD no frequency). This sequence change replaces threonine, which is neutral and polar, with alanine, which is neutral and non-polar, at codon 42 of the SDCCAG8 protein (p.Thr42Ala).